The following is an entry in ClinVar:

ClinVar aggregate classification (germline): Uncertain significance (1 of 4 stars; one submission).

Conditions:
Multiple acyl-CoA dehydrogenase deficiency (MADD). Also called: ETHYLMALONIC-ADIPICACIDURIA; GA II; Glutaric Acidemia type 2; Glutaric acidemia type II; GA 2; Glutaric aciduria, type 2. Identifiers: Orphanet 26791, MedGen C0268596, MONDO:0009282, OMIM 231680.

Submission:

Labcorp Genetics (formerly Invitae), Labcorp
Classification: Uncertain significance for Multiple acyl-CoA dehydrogenase deficiency. Last evaluated: 2023-05-23. Review status: criteria provided, single submitter. Criteria: Invitae Variant Classification Sherloc (09022015). Collection method: clinical testing. Allele origin: germline.
Comment: In summary, the available evidence is currently insufficient to determine the role of this variant in disease. Therefore, it has been classified as a Variant of Uncertain Significance. Advanced modeling of protein sequence and biophysical properties (such as structural, functional, and spatial information, amino acid conservation, physicochemical variation, residue mobility, and thermodynamic stability) has been performed at Invitae for this missense variant, however the output from this modeling did not meet the statistical confidence thresholds required to predict the impact of this variant on ETFDH protein function. This variant has not been reported in the literature in individuals affected with ETFDH-related conditions. This variant is not present in population databases (gnomAD no frequency). This sequence change replaces proline, which is neutral and non-polar, with serine, which is neutral and polar, at codon 129 of the ETFDH protein (p.Pro129Ser).

NM_004453.4(ETFDH):c.385C>T (p.Pro129Ser)

Gene: ETFDH (electron transfer flavoprotein dehydrogenase; plus strand). Cytogenetic location: 4q32.1.
Variant type: single nucleotide variant.
Coding change: c.385C>T on transcript NM_004453.4 (MANE Select); coding-DNA position 385, C replaced by T.
Protein change: p.Pro129Ser; replaces proline 129 with serine.
Molecular consequence: missense variant.
Genome position (GRCh38, 1-based): chr4:158,682,404, C>T. VCF-style: chr4-158682404-C-T. GRCh37 (hg19) VCF-style: chr4-159603556-C-T.
Other names: c.244C>T, p.Pro82Ser (NM_001281737.2); c.202C>T, p.Pro68Ser (NM_001281738.1); short protein forms P129S, P68S, P82S.
Identifiers: ClinVar variation 1018534 (VCV001018534.9), dbSNP rs985343342, ClinGen allele CA358574507.